The following is an entry in ClinVar:

NM_000218.3(KCNQ1):c.1393+26657del

Genes: KCNQ1 (potassium voltage-gated channel subfamily Q member 1; plus strand), KCNQ1OT1 (KCNQ1 opposite strand/antisense transcript 1; minus strand). Cytogenetic location: 11p15.5.
Variant type: Deletion.
Coding change: c.1393+26657del on transcript NM_000218.3 (MANE Select); 26657 bases into the intron after coding-DNA position 1393, one base deleted (T; older notation c.1393+26657delT).
Molecular consequence: intron variant. On other transcripts: non-coding transcript variant (1).
Genome position (GRCh38, 1-based): chr11:2,615,511, T deleted; the last of 8 consecutive T bases (chr11:2,615,504-2,615,511); deleting any one gives the same sequence. VCF-style (leftmost placement, unchanged base first): chr11-2615503-GT-G. GRCh37 (hg19) VCF-style: chr11-2636733-GT-G.
Other names: c.1123+26657del (NM_001406837.1); c.1297+26657del (NM_001406836.1); c.853+26657del (NM_001406838.1); c.1012+26657del (NM_181798.2).
Identifiers: ClinVar variation 4873899 (VCV004873899.2).

ClinVar aggregate classification (germline): Likely benign (1 of 4 stars; one submission).

Submission:

CeGaT Center for Human Genetics Tuebingen
Classification: Likely benign. Last evaluated: 2026-09-01. Review status: criteria provided, single submitter. Criteria: CeGaT Center For Human Genetics Tuebingen Variant Classification Criteria Version 2. Collection method: clinical testing. Allele origin: germline. Affected: yes. Observed: 5 variant alleles.
Comment: KCNQ1OT1: BS1